The following is an entry in ClinVar:

NM_148919.4(PSMB8):c.293T>G (p.Ile98Ser)

Gene: PSMB8 (proteasome 20S subunit beta 8; minus strand). Cytogenetic location: 6p21.32.
Variant type: single nucleotide variant.
Coding change: c.293T>G on transcript NM_148919.4 (MANE Select); coding-DNA position 293, T replaced by G.
Protein change: p.Ile98Ser; replaces isoleucine 98 with serine.
Molecular consequence: missense variant.
Genome position (GRCh38, 1-based): chr6:32,842,944, A>C on the plus strand (T>G on the coding strand, the complement: PSMB8 is on the minus strand). VCF-style: chr6-32842944-A-C. GRCh37 (hg19) VCF-style: chr6-32810721-A-C.
Other names: c.281T>G, p.Ile94Ser (NM_004159.5); short protein forms I94S, I98S.
Identifiers: ClinVar variation 1416540 (VCV001416540.6), dbSNP rs753139724, ClinGen allele CA3746446.
Genomic context (GRCh38, chr6:32,842,944, plus strand): 5'-CCTGTGGAAAGGAGAGCCCAGCTCCCCAGATTCTGCCTGCTGGAGCGTATACACTCACTA[A>C]TGTAGGACCCAGCTGAGGCCCGAGAATCCACTGCTGCAATCACTCCATGCTGGAACTTGA-3'
Protein context (NP_683720.2, residues 88-108): VDSRASAGSY[Ile98Ser]SALRVNKVIE

ClinVar aggregate classification (germline): Uncertain significance (1 of 4 stars; one submission).

Conditions:
Proteosome-associated autoinflammatory syndrome. Also called: Proteasome-associated autoinflammatory syndrome. Identifiers: Orphanet 324977, MedGen C1850568, MONDO:0009726.

Allele frequency attached by ClinVar (database versions not stated): ExAC 0.00001; TOPMed 0.00002.

Submission:

Labcorp Genetics (formerly Invitae), Labcorp
Classification: Uncertain significance for Proteosome-associated autoinflammatory syndrome. Last evaluated: 2021-09-15. Review status: criteria provided, single submitter. Criteria: Invitae Variant Classification Sherloc (09022015). Collection method: clinical testing. Allele origin: germline.
Comment: In summary, the available evidence is currently insufficient to determine the role of this variant in disease. Therefore, it has been classified as a Variant of Uncertain Significance. Algorithms developed to predict the effect of sequence changes on RNA splicing suggest that this variant may create or strengthen a splice site. Algorithms developed to predict the effect of missense changes on protein structure and function (SIFT, PolyPhen-2, Align-GVGD) all suggest that this variant is likely to be disruptive. This variant has not been reported in the literature in individuals affected with PSMB8-related conditions. This variant is present in population databases (rs753139724, ExAC 0.01%). This sequence change replaces isoleucine with serine at codon 98 of the PSMB8 protein (p.Ile98Ser). The isoleucine residue is highly conserved and there is a large physicochemical difference between isoleucine and serine.